The following is an entry in ClinVar:

NM_024741.3(ZNF408):c.274G>A (p.Glu92Lys)

Gene: ZNF408 (zinc finger protein 408; plus strand). Cytogenetic location: 11p11.2.
Variant type: single nucleotide variant.
Coding change: c.274G>A on transcript NM_024741.3 (MANE Select); coding-DNA position 274, G replaced by A.
Protein change: p.Glu92Lys; replaces glutamic acid 92 with lysine.
Molecular consequence: missense variant.
Genome position (GRCh38, 1-based): chr11:46,701,620, G>A. VCF-style: chr11-46701620-G-A. GRCh37 (hg19) VCF-style: chr11-46723170-G-A.
Other names: c.250G>A, p.Glu84Lys (NM_001184751.2); short protein forms E84K, E92K.
Identifiers: ClinVar variation 3624966 (VCV003624966.2).

ClinVar aggregate classification (germline): Uncertain significance (1 of 4 stars; one submission).

gnomAD v4.1: 5 of 1,607,922 alleles (0.00031%); highest among the groups gnomAD compares: Non-Finnish European, 0.00043%; no homozygotes.

Submission:

Labcorp Genetics (formerly Invitae), Labcorp
Classification: Uncertain significance. Last evaluated: 2024-02-02. Review status: criteria provided, single submitter. Criteria: Invitae Variant Classification Sherloc (09022015). Collection method: clinical testing. Allele origin: germline.
Comment: This sequence change replaces glutamic acid, which is acidic and polar, with lysine, which is basic and polar, at codon 92 of the ZNF408 protein (p.Glu92Lys). This variant is not present in population databases (gnomAD no frequency). This variant has not been reported in the literature in individuals affected with ZNF408-related conditions. An algorithm developed to predict the effect of missense changes on protein structure and function (PolyPhen-2) suggests that this variant is likely to be tolerated. In summary, the available evidence is currently insufficient to determine the role of this variant in disease. Therefore, it has been classified as a Variant of Uncertain Significance.